The following is an entry in ClinVar:

ClinVar aggregate classification (germline): conflicting data from submitters (0 of 4 stars; one submission).

Submission:

ISCA site 8
Classification: conflicting data from submitters. Last evaluated: 2010-10-01. Review status: no assertion criteria provided. Collection method: clinical testing. Allele origin: unknown. Affected: yes. Observed: 2 variant alleles.
Comment: Uncertain significance(1), Benign (1)

Copy number variation identified through the course of routine clinical cytogenomic testing in postnatal populations, with clinical assertions as classified by the original submitter.

GRCh37/hg19 1q21.1(chr1:144451745-144524956)x1

Variant type: copy number loss.
Change: copy number 1 (one copy instead of two) of chr1:144,451,745-144,524,956 (73.2 kb, GRCh37 coordinates, 1-based), cytogenetic band 1q21.1.
Identifiers: ClinVar variation 147571 (VCV000147571.2).